The following is an entry in ClinVar:

NM_004612.4(TGFBR1):c.31C>T (p.Arg11Trp)

Genes: TGFBR1 (transforming growth factor beta receptor 1; plus strand), LOC130002223 (ATAC-STARR-seq lymphoblastoid silent region 20124; plus strand). Cytogenetic location: 9q22.33.
Variant type: single nucleotide variant.
Coding change: c.31C>T on transcript NM_004612.4 (MANE Select); coding-DNA position 31, C replaced by T.
Protein change: p.Arg11Trp; replaces arginine 11 with tryptophan.
Molecular consequence: missense variant. On other transcripts: 5 prime UTR variant (5), non-coding transcript variant (4), intron variant (8).
Genome position (GRCh38, 1-based): chr9:99,105,236, C>T. VCF-style: chr9-99105236-C-T. GRCh37 (hg19) VCF-style: chr9-101867518-C-T.
Other names: c.31C>T, p.Arg11Trp (NM_001130916.3, NM_001306210.2, NM_001407416.1 and 5 more transcripts); c.-313C>T (NM_001407420.1, NM_001407429.1); c.-282C>T (NM_001407422.1, NM_001407426.1); c.-237C>T (NM_001407428.1); c.-111+1495C>T (NM_001407418.1, NM_001407423.1); c.-111+1130C>T (NM_001407424.1); c.-111+717C>T (NM_001407425.1); c.-111+510C>T (NM_001407434.1); and 2 more; short protein forms R11W.
Identifiers: ClinVar variation 3361993 (VCV003361993.3).
Genomic context (GRCh38, chr9:99,105,236, plus strand): 5'-GGCCGGGCCACAGGCGGTGGCGGCGGGACCATGGAGGCGGCGGTCGCTGCTCCGCGTCCC[C>T]GGCTGCTCCTCCTCGTGCTGGCGGCGGCGGCGGCGGCGGCGGCGGCGCTGCTCCCGGGGG-3'
Protein context (NP_004603.1, residues 1-21): MEAAVAAPRP[Arg11Trp]LLLLVLAAAA

ClinVar aggregate classification (germline): Uncertain significance. Review status: criteria provided, multiple submitters, no conflicts (2 of 4 stars). 2 submissions from 2 submitters: Uncertain significance (2). Last evaluated 2024-03-20.

Conditions:
Familial thoracic aortic aneurysm and aortic dissection (TAAD). Also called: Thoracic aortic aneurysms and dissections. Identifiers: Orphanet 91387, MedGen C4707243, MONDO:0019625.

Submissions (2):

Labcorp Genetics (formerly Invitae), Labcorp
Classification: Uncertain significance for Familial thoracic aortic aneurysm and aortic dissection. Last evaluated: 2024-03-20. Review status: criteria provided, single submitter. Criteria: Invitae Variant Classification Sherloc (09022015). Collection method: clinical testing. Allele origin: germline.
Comment: This sequence change replaces arginine, which is basic and polar, with tryptophan, which is neutral and slightly polar, at codon 11 of the TGFBR1 protein (p.Arg11Trp). The frequency data for this variant in the population databases is considered unreliable, as metrics indicate insufficient coverage at this position in the gnomAD database. This variant has not been reported in the literature in individuals affected with TGFBR1-related conditions. Advanced modeling of protein sequence and biophysical properties (such as structural, functional, and spatial information, amino acid conservation, physicochemical variation, residue mobility, and thermodynamic stability) performed at Invitae indicates that this missense variant is not expected to disrupt TGFBR1 protein function with a negative predictive value of 95%. In summary, the available evidence is currently insufficient to determine the role of this variant in disease. Therefore, it has been classified as a Variant of Uncertain Significance.

GeneDx
Classification: Uncertain significance. Last evaluated: 2023-05-24. Review status: criteria provided, single submitter. Criteria: GeneDx Variant Classification Process June 2021. Collection method: clinical testing. Allele origin: germline. Affected: yes.
Comment: Not observed at significant frequency in large population cohorts (gnomAD); In silico analysis supports that this missense variant does not alter protein structure/function; Has not been previously published as pathogenic or benign to our knowledge